The following is an entry in ClinVar:

NM_021620.4(PRDM13):c.712A>T (p.Thr238Ser)

Gene: PRDM13 (PR/SET domain 13; plus strand). Cytogenetic location: 6q16.2.
Variant type: single nucleotide variant.
Coding change: c.712A>T on transcript NM_021620.4 (MANE Select); coding-DNA position 712, A replaced by T.
Protein change: p.Thr238Ser; replaces threonine 238 with serine.
Molecular consequence: missense variant.
Genome position (GRCh38, 1-based): chr6:99,613,347, A>T. VCF-style: chr6-99613347-A-T. GRCh37 (hg19) VCF-style: chr6-100061223-A-T.
Other names: short protein forms T238S.
Identifiers: ClinVar variation 2964174 (VCV002964174.3), dbSNP rs1428138063, ClinGen allele CA365116010.

ClinVar aggregate classification (germline): Uncertain significance (1 of 4 stars; one submission).

Allele frequency attached by ClinVar (database versions not stated): gnomAD 0.00001.
gnomAD v4.1: 14 of 1,547,804 alleles (0.0009%); highest among the groups gnomAD compares: South Asian, 0.012%; no homozygotes.

Submission:

Labcorp Genetics (formerly Invitae), Labcorp
Classification: Uncertain significance. Last evaluated: 2022-11-02. Review status: criteria provided, single submitter. Criteria: Invitae Variant Classification Sherloc (09022015). Collection method: clinical testing. Allele origin: germline.
Comment: This sequence change replaces threonine, which is neutral and polar, with serine, which is neutral and polar, at codon 238 of the PRDM13 protein (p.Thr238Ser). In summary, the available evidence is currently insufficient to determine the role of this variant in disease. Therefore, it has been classified as a Variant of Uncertain Significance. Algorithms developed to predict the effect of missense changes on protein structure and function output the following: SIFT: "Tolerated"; PolyPhen-2: "Benign"; Align-GVGD: "Class C0". The serine amino acid residue is found in multiple mammalian species, which suggests that this missense change does not adversely affect protein function. This variant has not been reported in the literature in individuals affected with PRDM13-related conditions. This variant is present in population databases (no rsID available, gnomAD 0.004%).